The following is an entry in ClinVar:

NM_003052.5(SLC34A1):c.19_20del (p.Arg7fs)

Gene: SLC34A1 (solute carrier family 34 member 1; plus strand). Cytogenetic location: 5q35.3.
Variant type: Microsatellite.
Coding change: c.19_20del on transcript NM_003052.5 (MANE Select); coding-DNA positions 19 to 20, 2 bases deleted (AG; older notation c.19_20delAG).
Protein change: p.Arg7fs; shifts the reading frame from arginine 7.
Molecular consequence: frameshift variant.
Genome position (GRCh38, 1-based): chr5:177,385,760-177,385,761, AG deleted; deleting any 2 consecutive bases within chr5:177,385,755-177,385,761 gives the same sequence; the c. name uses the placement nearest the transcript's 3' end. VCF-style (leftmost placement, unchanged base first): chr5-177385754-GGA-G. GRCh37 (hg19) VCF-style: chr5-176812755-GGA-G.
Other names: c.19_20del, p.Arg7fs (NM_001167579.2); short protein forms R7fs.
Identifiers: ClinVar variation 4774220 (VCV004774220.1).

ClinVar aggregate classification (germline): Pathogenic (1 of 4 stars; one submission).

Submission:

Labcorp Genetics (formerly Invitae), Labcorp
Classification: Pathogenic. Last evaluated: 2025-09-02. Review status: criteria provided, single submitter. Criteria: Invitae Variant Classification Sherloc (09022015). Collection method: clinical testing. Allele origin: germline.
Comment: This sequence change creates a premature translational stop signal (p.Arg7Alafs*52) in the SLC34A1 gene. It is expected to result in an absent or disrupted protein product. Loss-of-function variants in SLC34A1 are known to be pathogenic (PMID: 26047794). This variant is not present in population databases (gnomAD no frequency). This variant has not been reported in the literature in individuals affected with SLC34A1-related conditions. For these reasons, this variant has been classified as Pathogenic.

Literature cited by the submitters: PubMed 26047794.